The following is an entry in ClinVar:

NM_058195.4(CDKN2A):c.194-3668C>A

Gene: CDKN2A (cyclin dependent kinase inhibitor 2A; minus strand). Cytogenetic location: 9p21.3.
Variant type: single nucleotide variant.
Coding change: c.194-3668C>A on transcript NM_058195.4 (MANE Plus Clinical); 3668 bases into the intron before coding-DNA position 194, C replaced by A.
Molecular consequence: intron variant.
Genome position (GRCh38, 1-based): chr9:21,974,876, G>T on the plus strand (C>A on the coding strand, the complement: CDKN2A is on the minus strand). VCF-style: chr9-21974876-G-T. GRCh37 (hg19) VCF-style: chr9-21974875-G-T.
Other names: c.-49C>A (NM_000077.6); c.-3-3668C>A (NM_001363763.2).
Identifiers: ClinVar variation 418117 (VCV000418117.6), dbSNP rs1064793081, ClinGen allele CA16618839.

ClinVar aggregate classification (germline): Conflicting classifications of pathogenicity. Review status: criteria provided, conflicting classifications (1 of 4 stars). 2 submissions from 2 submitters: Likely pathogenic (1); Uncertain significance (1). Last evaluated 2024-05-06.

Conditions:
Melanoma-pancreatic cancer syndrome. Identifiers: Orphanet 404560, MedGen C1838547, MONDO:0011713, OMIM 606719. Disease mechanism: loss of function.

Allele frequency attached by ClinVar (database versions not stated): TOPMed 0.00001; gnomAD exomes 0.00001; gnomAD 0.00001.

Submissions (2):

GeneDx
Classification: Uncertain significance. Last evaluated: 2024-05-06. Review status: criteria provided, single submitter. Criteria: GeneDx Variant Classification Process June 2021. Collection method: clinical testing. Allele origin: germline. Affected: yes.
Comment: Not observed at significant frequency in large population cohorts (gnomAD); Nucleotide is not conserved across species and the substitution has no predicted effect on splicing; Observed in an individual with malignant melanoma (PMID: 19320745); This variant is associated with the following publications: (PMID: 19320745)

Department of Pathology and Laboratory Medicine, Sinai Health System
Classification: Likely pathogenic for melanoma-pancreatic cancer syndrome. Review status: criteria provided, single submitter. Criteria: ACMG Guidelines, 2015. Collection method: clinical testing. Allele origin: germline.